The following is an entry in ClinVar:

NM_003072.5(SMARCA4):c.2974-255G>A

Gene: SMARCA4 (SWI/SNF related BAF chromatin remodeling complex subunit ATPase 4; plus strand). Cytogenetic location: 19p13.2.
Variant type: single nucleotide variant.
Coding change: c.2974-255G>A on transcript NM_003072.5 (MANE Select); 255 bases into the intron before coding-DNA position 2974, G replaced by A.
Molecular consequence: intron variant.
Genome position (GRCh38, 1-based): chr19:11,024,076, G>A. VCF-style: chr19-11024076-G-A. GRCh37 (hg19) VCF-style: chr19-11134752-G-A.
Other names: c.2974-255G>A (NM_001128844.3, NM_001128849.3, NM_001128847.4 and 5 more transcripts).
Identifiers: ClinVar variation 679756 (VCV000679756.1), dbSNP rs118107587, ClinGen allele CA305275913.
Genomic context (GRCh38, chr19:11,024,076, plus strand): 5'-CATGGACTCGGGGTCCCCGGCTGCAGTTGTCCCTCTTGGCTCTTTGTTTCCTGGCTGGCT[G>A]TAGAGAGGCCCCCAGAAGATGGCTGGGGGGCCCTTTCTGGCCCAGTAACCCTCTGGTATC-3'

ClinVar aggregate classification (germline): Benign (1 of 4 stars; one submission).

Allele frequency attached by ClinVar (database versions not stated): 1000 Genomes Project 0.02077; 1000 Genomes Project 30x 0.02139; TOPMed 0.03863; gnomAD 0.04097 and 0.04207.
gnomAD v4.1: 6,270 of 152,274 alleles (4.1%); highest among the groups gnomAD compares: Non-Finnish European, 6.2%; 160 homozygotes.

Submission:

GeneDx
Classification: Benign. Last evaluated: 2018-06-14. Review status: criteria provided, single submitter. Criteria: GeneDx Variant Classification (06012015). Collection method: clinical testing. Allele origin: germline. Affected: yes.
Comment: This variant is considered likely benign or benign based on one or more of the following criteria: it is a conservative change, it occurs at a poorly conserved position in the protein, it is predicted to be benign by multiple in silico algorithms, and/or has population frequency not consistent with disease.